The following is an entry in ClinVar:

NM_001110556.2(FLNA):c.4018G>A (p.Val1340Met)

Gene: FLNA (filamin A; minus strand). Cytogenetic location: Xq28.
Variant type: single nucleotide variant.
Coding change: c.4018G>A on transcript NM_001110556.2 (MANE Select); coding-DNA position 4018, G replaced by A.
Protein change: p.Val1340Met; replaces valine 1340 with methionine.
Molecular consequence: missense variant.
Genome position (GRCh38, 1-based): chrX:154,359,608, C>T on the plus strand (G>A on the coding strand, the complement: FLNA is on the minus strand). VCF-style: chrX-154359608-C-T. GRCh37 (hg19) VCF-style: chrX-153587976-C-T.
Other names: c.4018G>A, p.Val1340Met (NM_001456.4); short protein forms V1340M.
Identifiers: ClinVar variation 570338 (VCV000570338.10), dbSNP rs782342052, ClinGen allele CA10560610.

ClinVar aggregate classification (germline): Uncertain significance (1 of 4 stars; one submission).

Conditions:
Heterotopia, periventricular, X-linked dominant (PVNH1). Also called: PERIVENTRICULAR NODULAR HETEROTOPIA 4; HETEROTOPIA, PERIVENTRICULAR, 1; PERIVENTRICULAR NODULAR HETEROTOPIA 1; X-linked periventricular heterotopia. Identifiers: Orphanet 2149, Orphanet 82004, MedGen C1848213, MONDO:0010233, OMIM 300049.
Melnick-Needles syndrome (MNS). Also called: Melnick-Needles Syndrome (FLNA-MNS); MELNICK-NEEDLES OSTEODYSPLASTY; OSTEODYSPLASTY OF MELNICK AND NEEDLES. Identifiers: Orphanet 2484, MedGen C0025237, MONDO:0010650, OMIM 309350.
Frontometaphyseal dysplasia (FMD1). Identifiers: Orphanet 1826, MedGen C0265293, MONDO:0015942.
Oto-palato-digital syndrome, type II (OPD2). Also called: Otopalatodigital Syndrome Type 2 (FLNA-OPD2); Otopalatodigital Syndrome, Type II; FACIOPALATOOSSEOUS SYNDROME; OPD II SYNDROME. Identifiers: Orphanet 669, Orphanet 90652, MedGen C1844696, MONDO:0010571, OMIM 304120.

Allele frequency attached by ClinVar (database versions not stated): TOPMed below 0.00001; ExAC 0.00001.
gnomAD v4.1: 1 of 1,210,767 alleles (0.000083%); highest among the groups gnomAD compares: Non-Finnish European, 0.00011%; no homozygotes.

Submission:

Labcorp Genetics (formerly Invitae), Labcorp
Classification: Uncertain significance for Oto-palato-digital syndrome, type II; Heterotopia, periventricular, X-linked dominant; Frontometaphyseal dysplasia; Melnick-Needles syndrome. Last evaluated: 2018-04-27. Review status: criteria provided, single submitter. Criteria: Invitae Variant Classification Sherloc (09022015). Collection method: clinical testing. Allele origin: germline.
Comment: Algorithms developed to predict the effect of missense changes on protein structure and function do not agree on the potential impact of this missense change (SIFT: "Deleterious"; PolyPhen-2: "Benign"; Align-GVGD: "Class C0"). The frequency data for this variant in the population databases is considered unreliable, as metrics indicate poor data quality at this position in the ExAC database. This variant has not been reported in the literature in individuals with FLNA-related disease. In summary, the available evidence is currently insufficient to determine the role of this variant in disease. Therefore, it has been classified as a Variant of Uncertain Significance. This sequence change replaces valine with methionine at codon 1340 of the FLNA protein (p.Val1340Met). The valine residue is highly conserved and there is a small physicochemical difference between valine and methionine.